The following is an entry in ClinVar:

ClinVar aggregate classification (germline): Uncertain significance (1 of 4 stars; one submission).

Submission:

Ambry Genetics
Classification: Uncertain significance. Last evaluated: 2024-09-27. Review status: criteria provided, single submitter. Criteria: Ambry Variant Classification Scheme 2023. Collection method: clinical testing. Allele origin: germline.
Comment: The p.V1171E variant (also known as c.3512T>A), located in coding exon 16 of the POLQ gene, results from a T to A substitution at nucleotide position 3512. The valine at codon 1171 is replaced by glutamic acid, an amino acid with dissimilar properties. This amino acid position is conserved. In addition, this alteration is predicted to be tolerated by in silico analysis. Based on the available evidence, the clinical significance of this variant remains unclear.

NM_199420.4(POLQ):c.3512T>A (p.Val1171Glu)

Gene: POLQ (DNA polymerase theta; minus strand). Cytogenetic location: 3q13.33.
Variant type: single nucleotide variant.
Coding change: c.3512T>A on transcript NM_199420.4 (MANE Select); coding-DNA position 3512, T replaced by A.
Protein change: p.Val1171Glu; replaces valine 1171 with glutamic acid.
Molecular consequence: missense variant.
Genome position (GRCh38, 1-based): chr3:121,489,419, A>T on the plus strand (T>A on the coding strand, the complement: POLQ is on the minus strand). VCF-style: chr3-121489419-A-T. GRCh37 (hg19) VCF-style: chr3-121208266-A-T.
Other names: short protein forms V1171E.
Identifiers: ClinVar variation 3422365 (VCV003422365.1).